The following is an entry in ClinVar:

ClinVar aggregate classification (germline): Uncertain significance (1 of 4 stars; one submission).

Conditions:
Kufor-Rakeb syndrome (KRS). Also called: PARKINSON DISEASE 9, AUTOSOMAL RECESSIVE, JUVENILE-ONSET. Identifiers: Orphanet 306674, Orphanet 314632, MedGen C1847640, MONDO:0011706, OMIM 606693.
Autosomal recessive spastic paraplegia type 78. Identifiers: Orphanet 513436, MedGen C5567893, MONDO:0014975, OMIM 617225.

gnomAD v4.1: 10 of 1,579,704 alleles (0.00063%); highest among the groups gnomAD compares: Non-Finnish European, 0.0006%; no homozygotes.

Submission:

Labcorp Genetics (formerly Invitae), Labcorp
Classification: Uncertain significance for Kufor-Rakeb syndrome; Autosomal recessive spastic paraplegia type 78. Last evaluated: 2021-11-19. Review status: criteria provided, single submitter. Criteria: Invitae Variant Classification Sherloc (09022015). Collection method: clinical testing. Allele origin: germline.
Comment: In summary, the available evidence is currently insufficient to determine the role of this variant in disease. Therefore, it has been classified as a Variant of Uncertain Significance. Algorithms developed to predict the effect of missense changes on protein structure and function (SIFT, PolyPhen-2, Align-GVGD) all suggest that this variant is likely to be tolerated. This variant has not been reported in the literature in individuals affected with ATP13A2-related conditions. This variant is not present in population databases (gnomAD no frequency). This sequence change replaces serine, which is neutral and polar, with arginine, which is basic and polar, at codon 1136 of the ATP13A2 protein (p.Ser1136Arg).

NM_022089.4(ATP13A2):c.3408C>A (p.Ser1136Arg)

Gene: ATP13A2 (ATPase cation transporting 13A2; minus strand). Cytogenetic location: 1p36.13.
Variant type: single nucleotide variant.
Coding change: c.3408C>A on transcript NM_022089.4 (MANE Select); coding-DNA position 3408, C replaced by A.
Protein change: p.Ser1136Arg; replaces serine 1136 with arginine.
Molecular consequence: missense variant.
Genome position (GRCh38, 1-based): chr1:16,986,356, G>T on the plus strand (C>A on the coding strand, the complement: ATP13A2 is on the minus strand). VCF-style: chr1-16986356-G-T. GRCh37 (hg19) VCF-style: chr1-17312851-G-T.
Other names: c.3393C>A, p.Ser1131Arg (NM_001141973.3); c.3106C>A, p.Arg1036Ser (NM_001141974.3); short protein forms R1036S, S1131R, S1136R.
Identifiers: ClinVar variation 1492619 (VCV001492619.6), dbSNP rs779310083, ClinGen allele CA338232606.
Genomic context (GRCh38, chr1:16,986,356, plus strand): 5'-CTTGGAGGCCCGCTTGGGCCGGAGGCGGCGCAGGCAGGCGGGGAGGCACTGGTCTAGCAC[G>T]CTCTGCAAAGGGCAGGGAGGGTGTCAGGGGCAGCCGGGGCTGAGCTGGGGTCAATGCACC-3'
Protein context (NP_071372.1, residues 1126-1146): LNFVGAFMLE[Ser1136Arg]VLDQCLPACL